The following is an entry in ClinVar:

ClinVar aggregate classification (germline): Uncertain significance (1 of 4 stars; one submission).

Conditions:
Hereditary cancer-predisposing syndrome. Also called: Neoplastic Syndromes, Hereditary; Tumor predisposition; Hereditary Cancer Syndrome; Hereditary neoplastic syndrome. Identifiers: Orphanet 140162, MedGen C0027672, MeSH D009386, MONDO:0015356.

Submission:

Ambry Genetics
Classification: Uncertain significance for Hereditary cancer-predisposing syndrome. Last evaluated: 2024-08-30. Review status: criteria provided, single submitter. Criteria: Ambry Variant Classification Scheme 2023. Collection method: clinical testing. Allele origin: germline.
Comment: The c.669_671delTCC variant (also known as p.P224del) is located in coding exon 3 of the PHOX2B gene. This variant results from an in-frame TCC deletion at nucleotide positions 669 to 671. This results in the in-frame deletion of a proline at codon 224. This amino acid position is well conserved in available vertebrate species. In addition, this alteration is predicted to be neutral by in silico analysis (Choi Y et al. PLoS ONE. 2012; 7(10):e46688). Since supporting evidence is limited at this time, the clinical significance of this alteration remains unclear.

NM_003924.4(PHOX2B):c.669_671del (p.Pro224del)

Gene: PHOX2B (paired like homeobox 2B; minus strand). Cytogenetic location: 4p13.
Variant type: Deletion.
Coding change: c.669_671del on transcript NM_003924.4 (MANE Select); coding-DNA positions 669 to 671, 3 bases deleted (TCC; older notation c.669_671delTCC).
Protein change: p.Pro224del; deletes proline 224.
Molecular consequence: inframe deletion. On other transcripts: inframe indel (1).
Genome position (GRCh38, 1-based): chr4:41,746,081-41,746,083, GGA deleted on the plus strand (TCC on the coding strand, the reverse complement: PHOX2B is on the minus strand); deleting any 3 consecutive bases within chr4:41,746,081-41,746,084 gives the same sequence; the c. name uses the placement nearest the transcript's 3' end. VCF-style (leftmost placement, unchanged base first): chr4-41746080-CGGA-C. GRCh37 (hg19) VCF-style: chr4-41748097-CGGA-C.
Other names: c.669_671delTCC (NM_003924.3); short protein forms P224del.
Identifiers: ClinVar variation 1754911 (VCV001754911.3), dbSNP rs2552096840, ClinGen allele CA2580071012.